The following is an entry in ClinVar:

ClinVar aggregate classification (germline): Uncertain significance. Review status: criteria provided, multiple submitters, no conflicts (2 of 4 stars). 2 submissions from 2 submitters: Uncertain significance (2). Last evaluated 2026-03-20.

Conditions:
Hereditary cancer-predisposing syndrome. Also called: Hereditary neoplastic syndrome; Neoplastic Syndromes, Hereditary; Hereditary Cancer Syndrome; Tumor predisposition. Identifiers: Orphanet 140162, MedGen C0027672, MeSH D009386, MONDO:0015356.
Gastrointestinal stromal tumor. Also called: Gastrointestinal stroma tumor; Gastrointestinal stromal tumor, somatic. Identifiers: Orphanet 44890, MedGen C0238198, MeSH D046152, MONDO:0011719, OMIM 606764, HP:0100723.

Allele frequency attached by ClinVar (database versions not stated): gnomAD exomes below 0.00001.
gnomAD v4.1: 1 of 1,553,576 alleles (0.000064%); highest among the groups gnomAD compares: Non-Finnish European, 0.000089%; no homozygotes.

Submissions (2):

Ambry Genetics
Classification: Uncertain significance for Hereditary cancer-predisposing syndrome. Last evaluated: 2026-03-20. Review status: criteria provided, single submitter. Criteria: Ambry Variant Classification Scheme 2023. Collection method: clinical testing. Allele origin: germline.
Comment: The c.2002+5G>C intronic variant results from a G to C substitution 5 nucleotides after coding exon 13 in the PDGFRA gene. This nucleotide position is well conserved in available vertebrate species. In silico splice site analysis predicts that this alteration will weaken the native splice donor site and may result in the creation or strengthening of a novel splice donor site. Based on the available evidence, the clinical significance of this variant remains unclear.

Labcorp Genetics (formerly Invitae), Labcorp
Classification: Uncertain significance for Gastrointestinal stromal tumor. Last evaluated: 2023-12-05. Review status: criteria provided, single submitter. Criteria: Invitae Variant Classification Sherloc (09022015). Collection method: clinical testing. Allele origin: germline.
Comment: This sequence change falls in intron 14 of the PDGFRA gene. It does not directly change the encoded amino acid sequence of the PDGFRA protein. It affects a nucleotide within the consensus splice site. This variant is not present in population databases (gnomAD no frequency). This variant has not been reported in the literature in individuals affected with PDGFRA-related conditions. ClinVar contains an entry for this variant (Variation ID: 2095674). Variants that disrupt the consensus splice site are a relatively common cause of aberrant splicing (PMID: 17576681, 9536098). Algorithms developed to predict the effect of sequence changes on RNA splicing suggest that this variant may disrupt the consensus splice site. In summary, the available evidence is currently insufficient to determine the role of this variant in disease. Therefore, it has been classified as a Variant of Uncertain Significance.

Literature cited by the submitters: PubMed 17576681 (cited by Labcorp Genetics (formerly Invitae), Labcorp); PubMed 9536098 (cited by Labcorp Genetics (formerly Invitae), Labcorp).

NM_006206.6(PDGFRA):c.2002+5G>C

Gene: PDGFRA (platelet derived growth factor receptor alpha; plus strand). Cytogenetic location: 4q12.
Variant type: single nucleotide variant.
Coding change: c.2002+5G>C on transcript NM_006206.6 (MANE Select); 5 bases into the intron after coding-DNA position 2002, G replaced by C.
Molecular consequence: intron variant.
Genome position (GRCh38, 1-based): chr4:54,278,011, G>C. VCF-style: chr4-54278011-G-C. GRCh37 (hg19) VCF-style: chr4-55144178-G-C.
Other names: c.2077+5G>C (NM_001347828.2); c.2002+5G>C (NM_001347827.2, NM_001347829.2, NM_006206.4); c.2041+5G>C (NM_001347830.2).
Identifiers: ClinVar variation 2095674 (VCV002095674.5), dbSNP rs1723833621, ClinGen allele CA2580071229.
Genomic context (GRCh38, chr4:54,278,011, plus strand): 5'-TCACCTGGGGCCACATTTGAACATTGTAAACTTGCTGGGAGCCTGCACCAAGTCAGGTGG[G>C]CTCACTGACCTGGAGTGAGGATTTTCACTGGACACATGTGGTTGTGAAAACTGTTCAATC-3'